The following is an entry in ClinVar:

NM_001029883.3(PCARE):c.1255A>C (p.Met419Leu)

Gene: PCARE (photoreceptor cilium actin regulator; minus strand). Cytogenetic location: 2p23.2.
Variant type: single nucleotide variant.
Coding change: c.1255A>C on transcript NM_001029883.3 (MANE Select); coding-DNA position 1255, A replaced by C.
Protein change: p.Met419Leu; replaces methionine 419 with leucine.
Molecular consequence: missense variant.
Genome position (GRCh38, 1-based): chr2:29,073,007, T>G on the plus strand (A>C on the coding strand, the complement: PCARE is on the minus strand). VCF-style: chr2-29073007-T-G. GRCh37 (hg19) VCF-style: chr2-29295873-T-G.
Other names: short protein forms M419L.
Identifiers: ClinVar variation 1992910 (VCV001992910.4), dbSNP rs2465278030, ClinGen allele CA346480576.

ClinVar aggregate classification (germline): Uncertain significance (1 of 4 stars; one submission).

Submission:

Labcorp Genetics (formerly Invitae), Labcorp
Classification: Uncertain significance. Last evaluated: 2022-08-16. Review status: criteria provided, single submitter. Criteria: Invitae Variant Classification Sherloc (09022015). Collection method: clinical testing. Allele origin: germline.
Comment: This variant has not been reported in the literature in individuals affected with PCARE-related conditions. In summary, the available evidence is currently insufficient to determine the role of this variant in disease. Therefore, it has been classified as a Variant of Uncertain Significance. Algorithms developed to predict the effect of missense changes on protein structure and function (SIFT, PolyPhen-2, Align-GVGD) all suggest that this variant is likely to be tolerated. This variant is not present in population databases (gnomAD no frequency). This sequence change replaces methionine, which is neutral and non-polar, with leucine, which is neutral and non-polar, at codon 419 of the PCARE protein (p.Met419Leu).